The following is an entry in ClinVar:

NM_001353345.2(SETD1B):c.3995G>A (p.Arg1332Gln)

Gene: SETD1B (SET domain containing 1B, histone lysine methyltransferase; plus strand). Cytogenetic location: 12q24.31.
Variant type: single nucleotide variant.
Coding change: c.3995G>A on transcript NM_001353345.2 (MANE Select); coding-DNA position 3995, G replaced by A.
Protein change: p.Arg1332Gln; replaces arginine 1332 with glutamine.
Molecular consequence: missense variant.
Genome position (GRCh38, 1-based): chr12:121,822,574, G>A. VCF-style: chr12-121822574-G-A. GRCh37 (hg19) VCF-style: chr12-122260480-G-A.
Other names: short protein forms R1332Q.
Identifiers: ClinVar variation 3905580 (VCV003905580.10).

ClinVar aggregate classification (germline): Likely benign (1 of 4 stars; one submission).

gnomAD v4.1: 30 of 1,547,410 alleles (0.0019%); highest among the groups gnomAD compares: African/African-American, 0.0041%; no homozygotes.

Submission:

CeGaT Center for Human Genetics Tuebingen
Classification: Likely benign. Last evaluated: 2025-05-01. Review status: criteria provided, single submitter. Criteria: CeGaT Center For Human Genetics Tuebingen Variant Classification Criteria Version 2. Collection method: clinical testing. Allele origin: germline. Affected: yes. Observed: 1 variant allele.
Comment: SETD1B: BP4